The following is an entry in ClinVar:

ClinVar aggregate classification (germline): Likely benign. Review status: criteria provided, multiple submitters, no conflicts (2 of 4 stars). 2 submissions from 2 submitters: Likely benign (2). Last evaluated 2025-10-01.

Allele frequency attached by ClinVar (database versions not stated): gnomAD exomes 0.00001; gnomAD 0.00003 and 0.00004; TOPMed 0.00003; ExAC 0.00004.
gnomAD v4.1: 24 of 1,558,838 alleles (0.0015%); highest among the groups gnomAD compares: Middle Eastern, 0.05%; no homozygotes.

Submissions (2):

CeGaT Center for Human Genetics Tuebingen
Classification: Likely benign. Last evaluated: 2025-10-01. Review status: criteria provided, single submitter. Criteria: CeGaT Center For Human Genetics Tuebingen Variant Classification Criteria Version 2. Collection method: clinical testing. Allele origin: germline. Affected: yes. Observed: 1 variant allele.
Comment: OTOGL: BP4, BP7

Labcorp Genetics (formerly Invitae), Labcorp
Classification: Likely benign. Last evaluated: 2025-06-28. Review status: criteria provided, single submitter. Criteria: Invitae Variant Classification Sherloc (09022015). Collection method: clinical testing. Allele origin: germline.

NM_001378609.3(OTOGL):c.1194C>T (p.Asp398=)

Gene: OTOGL (otogelin like; plus strand). Cytogenetic location: 12q21.31.
Variant type: single nucleotide variant.
Coding change: c.1194C>T on transcript NM_001378609.3 (MANE Select); coding-DNA position 1194, C replaced by T.
Protein change: p.Asp398=; no amino-acid change (aspartic acid 398 retained).
Molecular consequence: synonymous variant.
Genome position (GRCh38, 1-based): chr12:80,252,110, C>T. VCF-style: chr12-80252110-C-T. GRCh37 (hg19) VCF-style: chr12-80645890-C-T.
Other names: c.1194C>T, p.Asp398= (NM_001368062.3, NM_001378610.3, NM_173591.7).
Identifiers: ClinVar variation 1634288 (VCV001634288.14), dbSNP rs750445715, ClinGen allele CA6700392.